The following is an entry in ClinVar:

NM_001160372.4(TRAPPC9):c.3292G>A (p.Gly1098Ser)

Gene: TRAPPC9 (trafficking protein particle complex subunit 9; minus strand). Cytogenetic location: 8q24.3.
Variant type: single nucleotide variant.
Coding change: c.3292G>A on transcript NM_001160372.4 (MANE Select); coding-DNA position 3292, G replaced by A.
Protein change: p.Gly1098Ser; replaces glycine 1098 with serine.
Molecular consequence: missense variant. On other transcripts: non-coding transcript variant (1).
Genome position (GRCh38, 1-based): chr8:139,731,216, C>T on the plus strand (G>A on the coding strand, the complement: TRAPPC9 is on the minus strand). VCF-style: chr8-139731216-C-T. GRCh37 (hg19) VCF-style: chr8-140743459-C-T.
Other names: c.3586G>A (NM_031466.5); c.3265G>A, p.Gly1089Ser (NM_001321646.2); c.3313G>A, p.Gly1105Ser (NM_001374682.1); c.3181G>A, p.Gly1061Ser (NM_001374683.1); c.3148G>A, p.Gly1050Ser (NM_001374684.1); c.3292G>A, p.Gly1098Ser (NM_031466.8); short protein forms G1061S, G1105S, G1050S, G1098S, G1089S.
Identifiers: ClinVar variation 1988112 (VCV001988112.6), dbSNP rs536787964, ClinGen allele CA4892733.

ClinVar aggregate classification (germline): Uncertain significance. Review status: criteria provided, multiple submitters, no conflicts (2 of 4 stars). 2 submissions from 2 submitters: Uncertain significance (2). Last evaluated 2023-04-10.

Conditions:
Inborn genetic diseases. Identifiers: MedGen C0950123, MeSH D030342.

gnomAD v4.1: 107 of 1,613,300 alleles (0.0066%); highest among the groups gnomAD compares: Non-Finnish European, 0.0081%; no homozygotes.

Submissions (2):

Ambry Genetics
Classification: Uncertain significance for Inborn genetic diseases. Last evaluated: 2023-04-10. Review status: criteria provided, single submitter. Criteria: Ambry Variant Classification Scheme 2023. Collection method: clinical testing. Allele origin: germline.

Labcorp Genetics (formerly Invitae), Labcorp
Classification: Uncertain significance. Last evaluated: 2022-06-21. Review status: criteria provided, single submitter. Criteria: Invitae Variant Classification Sherloc (09022015). Collection method: clinical testing. Allele origin: germline.
Comment: In summary, the available evidence is currently insufficient to determine the role of this variant in disease. Therefore, it has been classified as a Variant of Uncertain Significance. Algorithms developed to predict the effect of missense changes on protein structure and function are either unavailable or do not agree on the potential impact of this missense change (SIFT: "Not Available"; PolyPhen-2: "Benign"; Align-GVGD: "Not Available"). This variant has not been reported in the literature in individuals affected with TRAPPC9-related conditions. This variant is present in population databases (rs536787964, gnomAD 0.01%). This sequence change replaces glycine, which is neutral and non-polar, with serine, which is neutral and polar, at codon 1196 of the TRAPPC9 protein (p.Gly1196Ser).